The following is an entry in ClinVar:

ClinVar aggregate classification (germline): Uncertain significance (1 of 4 stars; one submission).

Conditions:
Early-infantile DEE. Also called: Early infantile epileptic encephalopathy with suppression bursts; Ohtahara syndrome; Early infantile epileptic encephalopathy. Identifiers: Orphanet 1934, MedGen C0393706, MONDO:0800491.

Submission:

Labcorp Genetics (formerly Invitae), Labcorp
Classification: Uncertain significance for Early-infantile DEE. Last evaluated: 2021-05-27. Review status: criteria provided, single submitter. Criteria: Invitae Variant Classification Sherloc (09022015). Collection method: clinical testing. Allele origin: germline.
Comment: Algorithms developed to predict the effect of missense changes on protein structure and function are either unavailable or do not agree on the potential impact of this missense change (SIFT: "Deleterious"; PolyPhen-2: "Probably Damaging"; Align-GVGD: "Class C0"). In summary, the available evidence is currently insufficient to determine the role of this variant in disease. Therefore, it has been classified as a Variant of Uncertain Significance. This variant has not been reported in the literature in individuals with SCN8A-related conditions. This sequence change replaces isoleucine with threonine at codon 1594 of the SCN8A protein (p.Ile1594Thr). The isoleucine residue is highly conserved and there is a moderate physicochemical difference between isoleucine and threonine. This variant is not present in population databases (ExAC no frequency).

NM_001330260.2(SCN8A):c.4781T>C (p.Ile1594Thr)

Gene: SCN8A (sodium voltage-gated channel alpha subunit 8; plus strand). Cytogenetic location: 12q13.13.
Variant type: single nucleotide variant.
Coding change: c.4781T>C on transcript NM_001330260.2 (MANE Select); coding-DNA position 4781, T replaced by C.
Protein change: p.Ile1594Thr; replaces isoleucine 1594 with threonine.
Molecular consequence: missense variant.
Genome position (GRCh38, 1-based): chr12:51,794,627, T>C. VCF-style: chr12-51794627-T-C. GRCh37 (hg19) VCF-style: chr12-52188411-T-C.
Other names: c.4658T>C, p.Ile1553Thr (NM_001177984.3, NM_001369788.1); c.4781T>C, p.Ile1594Thr (NM_014191.4); short protein forms I1553T, I1594T.
Identifiers: ClinVar variation 1356709 (VCV001356709.9), dbSNP rs2138919636, ClinGen allele CA384879355.